The following is an entry in ClinVar:

ClinVar aggregate classification (germline): Likely benign (1 of 4 stars; one submission).

Allele frequency attached by ClinVar (database versions not stated): ExAC 0.00002.
gnomAD v4.1: 18 of 1,614,100 alleles (0.0011%); highest among the groups gnomAD compares: African/African-American, 0.013%; no homozygotes.

Submission:

CeGaT Center for Human Genetics Tuebingen
Classification: Likely benign. Last evaluated: 2022-11-01. Review status: criteria provided, single submitter. Criteria: CeGaT Center For Human Genetics Tuebingen Variant Classification Criteria Version 2. Collection method: clinical testing. Allele origin: germline. Affected: yes. Observed: 1 variant allele.
Comment: ZFHX3: BP4, BP7

NM_006885.4(ZFHX3):c.3177G>A (p.Thr1059=)

Gene: ZFHX3 (zinc finger homeobox 3; minus strand). Cytogenetic location: 16q22.3.
Variant type: single nucleotide variant.
Coding change: c.3177G>A on transcript NM_006885.4 (MANE Select); coding-DNA position 3177, G replaced by A.
Protein change: p.Thr1059=; no amino-acid change (threonine 1059 retained).
Molecular consequence: synonymous variant.
Genome position (GRCh38, 1-based): chr16:72,950,508, C>T on the plus strand (G>A on the coding strand, the complement: ZFHX3 is on the minus strand). VCF-style: chr16-72950508-C-T. GRCh37 (hg19) VCF-style: chr16-72984407-C-T.
Other names: c.435G>A, p.Thr145= (NM_001164766.2); c.3177G>A, p.Thr1059= (NM_001386735.1).
Identifiers: ClinVar variation 2646834 (VCV002646834.24), dbSNP rs763822990, ClinGen allele CA8164196.
Genomic context (GRCh38, chr16:72,950,508, plus strand): 5'-CCATAAGGAGCTGGGCCTTACCTTGTACAACTTCAGGCTGGCCTCGTGCCTGGAGTTGAC[C>T]GTGTGCAGCCGCAGCTTCTCCAGGCTGTTGGTGTAGTAGTCACAGGCGTTGCACTTGAGG-3'
Protein context (NP_008816.3, residues 1049-1069): TNSLEKLRLH[Thr1059=]VNSRHEASLK